The following is an entry in ClinVar:

NM_006268.5(DPF2):c.904+1G>A

Gene: DPF2 (double PHD fingers 2; plus strand). Cytogenetic location: 11q13.1.
Variant type: single nucleotide variant.
Coding change: c.904+1G>A on transcript NM_006268.5 (MANE Select); the canonical splice donor site of the intron after coding-DNA position 904, G replaced by A.
Molecular consequence: splice donor variant.
Genome position (GRCh38, 1-based): chr11:65,346,059, G>A. VCF-style: chr11-65346059-G-A. GRCh37 (hg19) VCF-style: chr11-65113530-G-A.
Other names: c.946+1G>A (NM_001330308.2).
Identifiers: ClinVar variation 985019 (VCV000985019.6), dbSNP rs1854517568, ClinGen allele CA381254479.

ClinVar aggregate classification (germline): Pathogenic. Review status: criteria provided, multiple submitters, no conflicts (2 of 4 stars). 2 submissions from 2 submitters: Pathogenic (2). Last evaluated 2020-01-18.

Conditions:
Inborn genetic diseases. Identifiers: MedGen C0950123, MeSH D030342.

Submissions (2):

GeneDx
Classification: Pathogenic. Last evaluated: 2020-01-18. Review status: criteria provided, single submitter. Criteria: GeneDx Variant Classification Process June 2021. Collection method: clinical testing. Allele origin: germline. Affected: yes.
Comment: Canonical splice site variant predicted to result in an in-frame deletion of a critical region; Not observed in large population cohorts (Lek et al., 2016); Has not been previously published as pathogenic or benign to our knowledge

Ambry Genetics
Classification: Pathogenic for Inborn genetic diseases. Last evaluated: 2018-02-08. Review status: criteria provided, single submitter. Criteria: Ambry exome assertion method (8-5-2015). Collection method: clinical testing. Allele origin: germline. Affected: yes. Observed: 1 variant allele.

Literature cited by the submitters: PubMed 29429572 (cited by Ambry Genetics).